The following is an entry in ClinVar:

NM_053025.4(MYLK):c.1625T>C (p.Val542Ala)

Gene: MYLK (myosin light chain kinase; minus strand). Cytogenetic location: 3q21.1.
Variant type: single nucleotide variant.
Coding change: c.1625T>C on transcript NM_053025.4 (MANE Select); coding-DNA position 1625, T replaced by C.
Protein change: p.Val542Ala; replaces valine 542 with alanine.
Molecular consequence: missense variant.
Genome position (GRCh38, 1-based): chr3:123,725,970, A>G on the plus strand (T>C on the coding strand, the complement: MYLK is on the minus strand). VCF-style: chr3-123725970-A-G. GRCh37 (hg19) VCF-style: chr3-123444817-A-G.
Other names: c.1097T>C, p.Val366Ala (NM_001321309.2); c.1418T>C, p.Val473Ala (NM_053026.4, NM_053028.4); c.1625T>C, p.Val542Ala (NM_053027.4); short protein forms V473A, V542A, V366A.
Identifiers: ClinVar variation 2567245 (VCV002567245.2), dbSNP rs2474488439, ClinGen allele CA354235585.
Genomic context (GRCh38, chr3:123,725,970, plus strand): 5'-ATGGGAGCAGAGAGCTGGGGCAGGGGGAACTCACCATTCAGCAGCCAAGTGATCCGGGGC[A>G]CTGGGGTCCCCCGTACGGAGCACTGCAGCACAAAATCCTGGCCCTCAATAACAGCGCAGT-3'
Protein context (NP_444253.3, residues 532-552): VLQCSVRGTP[Val542Ala]PRITWLLNGQ

ClinVar aggregate classification (germline): Uncertain significance (1 of 4 stars; one submission).

Conditions:
Familial thoracic aortic aneurysm and aortic dissection (TAAD). Also called: Thoracic aortic aneurysms and dissections. Identifiers: Orphanet 91387, MedGen C4707243, MONDO:0019625.

Submission:

Ambry Genetics
Classification: Uncertain significance for Familial thoracic aortic aneurysm and aortic dissection. Last evaluated: 2023-04-11. Review status: criteria provided, single submitter. Criteria: Ambry Variant Classification Scheme 2023. Collection method: clinical testing. Allele origin: germline.
Comment: The p.V542A variant (also known as c.1625T>C), located in coding exon 9 of the MYLK gene, results from a T to C substitution at nucleotide position 1625. The valine at codon 542 is replaced by alanine, an amino acid with similar properties. This amino acid position is conserved. In addition, this alteration is predicted to be tolerated by in silico analysis. Since supporting evidence is limited at this time, the clinical significance of this alteration remains unclear.